The following is an entry in ClinVar:

ClinVar aggregate classification (germline): Uncertain significance (0 of 4 stars; one submission).

Conditions:
RIPK1-related disorder. Also called: RIPK1-related condition.

Submission:

PreventionGenetics, part of Exact Sciences
Classification: Uncertain significance for RIPK1-related condition. Last evaluated: 2024-01-02. Review status: no assertion criteria provided. Collection method: clinical testing. Allele origin: germline.
Comment: The RIPK1 c.82_84delinsCTC variant is predicted to result in an in-frame deletion and insertion. To our knowledge, this variant has not been reported in the literature or in a large population database, indicating this variant is rare. At this time, the clinical significance of this variant is uncertain due to the absence of conclusive functional and genetic evidence.

NM_001354930.2(RIPK1):c.82_84delinsCTC (p.Phe28Leu)

Gene: RIPK1 (receptor interacting serine/threonine kinase 1; plus strand). Cytogenetic location: 6p25.2.
Variant type: Indel.
Coding change: c.82_84delinsCTC on transcript NM_001354930.2 (MANE Select); coding-DNA positions 82 to 84, TTT replaced by CTC.
Protein change: p.Phe28Leu; replaces phenylalanine 28 with leucine.
Molecular consequence: missense variant. On other transcripts: 5 prime UTR variant (4).
Genome position (GRCh38, 1-based): chr6:3,076,905-3,076,907, TTT replaced by CTC. VCF-style: chr6-3076905-TTT-CTC. GRCh37 (hg19) VCF-style: chr6-3077139-TTT-CTC.
Other names: c.-522_-520delinsCTC (NM_001317061.3, NM_001354932.2, NM_001354933.2 and 1 more transcripts); c.82_84delinsCTC, p.Phe28Leu (NM_001354931.2, NM_003804.6); short protein forms F28L.
Identifiers: ClinVar variation 3061239 (VCV003061239.2), dbSNP rs2533150167, ClinGen allele CA2740094219.